The following is an entry in ClinVar:

ClinVar aggregate classification (germline): Likely pathogenic. Review status: criteria provided, multiple submitters, no conflicts (2 of 4 stars). 2 submissions from 2 submitters: Likely pathogenic (2). Last evaluated 2024-05-28.

Conditions:
Zellweger spectrum disorders (ZS). Also called: Zellweger syndrome; Zellweger Spectrum Disorder; Zellweger Spectrum; Zellweger Spectrum Disorder (ZSD). Identifiers: Orphanet 912, MedGen C0043459, MONDO:0019609.
PEX1-related disorder. Also called: PEX1-related condition.

Submissions (2):

Natera, Inc.
Classification: Likely pathogenic for Zellweger syndrome. Last evaluated: 2024-05-28. Review status: criteria provided, single submitter. Criteria: Natera Variant Classification Schema (03/2026). Collection method: clinical testing. Allele origin: germline.
Comment: The c.1833_1834insTT variant in PEX1 is a frameshift variant predicted to shift the reading frame beginning at codon 612 and leads to a stop codon 34 codons downstream. This variant is expected to result in nonsense mediated decay, truncation, or a dysfunctional protein product. This variant is rare in the general population with a frequency below the threshold expected for the associated phenotype(s). Given the available evidence, this variant is classified as Likely Pathogenic.

Blueprint Genetics
Classification: Likely pathogenic for PEX1-related disorders. Last evaluated: 2020-01-29. Review status: criteria provided, single submitter. Criteria: ACMG Guidelines, 2015. Collection method: clinical testing. Allele origin: germline. Affected: yes. Observed: 1 variant allele.

NM_000466.3(PEX1):c.1833_1834insTT (p.Ile612fs)

Gene: PEX1 (peroxisomal biogenesis factor 1; minus strand). Cytogenetic location: 7q21.2.
Variant type: Insertion.
Coding change: c.1833_1834insTT on transcript NM_000466.3 (MANE Select); coding-DNA positions 1833 to 1834, TT inserted.
Protein change: p.Ile612fs; shifts the reading frame from isoleucine 612.
Molecular consequence: frameshift variant.
Genome position: GRCh38 VCF-style: chr7-92506314-T-TAA. GRCh37 (hg19) VCF-style: chr7-92135628-T-TAA.
Other names: c.1833_1834insTT, p.Ile612fs (NM_001282677.2); c.1209_1210insTT, p.Ile404fs (NM_001282678.2); short protein forms I612fs, I404fs.
Identifiers: ClinVar variation 4818386 (VCV004818386.2), dbSNP rs1792185651.